The following is an entry in ClinVar:

ClinVar aggregate classification (germline): Benign/Likely benign. Review status: criteria provided, multiple submitters, no conflicts (2 of 4 stars). 8 submissions from 7 submitters: Benign (1); Likely benign (7). Last evaluated 2026-03-25.

Conditions:
NOTCH1-related disorder. Also called: NOTCH1-related disorders; NOTCH1-related condition.
Adams-Oliver syndrome 5 (AOS5). Identifiers: Orphanet 974, MedGen C4014970, MONDO:0014459, OMIM 616028.
Familial thoracic aortic aneurysm and aortic dissection (TAAD). Also called: Thoracic aortic aneurysms and dissections. Identifiers: Orphanet 91387, MedGen C4707243, MONDO:0019625.
Aortic valve disease 1 (AOVD1). Identifiers: MedGen C3887892, MONDO:0024523, OMIM 109730.

Allele frequency attached by ClinVar (database versions not stated): gnomAD 0.00004 and 0.00005; TOPMed 0.00006; gnomAD exomes 0.00012; ExAC 0.00013.
gnomAD v4.1: 89 of 1,612,624 alleles (0.0055%); highest among the groups gnomAD compares: Non-Finnish European, 0.0014%; no homozygotes.

Submissions (8):

PreventionGenetics, part of Exact Sciences
Classification: Likely benign for NOTCH1-related condition. Last evaluated: 2026-03-25. Review status: criteria provided, single submitter. Criteria: ACMG Guidelines, 2015. Collection method: clinical testing. Allele origin: germline.
Comment: This variant is classified as likely benign based on ACMG/AMP sequence variant interpretation guidelines (Richards et al. 2015 PMID: 25741868, with internal and published modifications).

Labcorp Genetics (formerly Invitae), Labcorp
Classification: Likely benign for Adams-Oliver syndrome 5. Last evaluated: 2025-09-17. Review status: criteria provided, single submitter. Criteria: Invitae Variant Classification Sherloc (09022015). Collection method: clinical testing. Allele origin: germline.

Women's Health and Genetics/Laboratory Corporation of America, LabCorp
Classification: Benign. Last evaluated: 2023-07-21. Review status: criteria provided, single submitter. Criteria: LabCorp Variant Classification Summary - May 2015. Collection method: clinical testing. Allele origin: germline.

Blueprint Genetics
Classification: Likely benign. Last evaluated: 2022-08-10. Review status: criteria provided, single submitter. Criteria: ACMG Guidelines, 2015. Collection method: clinical testing. Allele origin: germline.

Genome-Nilou Lab
Classification: Likely benign for Adams-Oliver syndrome 5. Last evaluated: 2022-03-15. Review status: criteria provided, single submitter. Criteria: ACMG Guidelines, 2015. Collection method: clinical testing. Allele origin: germline. Affected: no.

Genome-Nilou Lab
Classification: Likely benign for Aortic valve disease 1. Last evaluated: 2022-03-15. Review status: criteria provided, single submitter. Criteria: ACMG Guidelines, 2015. Collection method: clinical testing. Allele origin: germline. Affected: no.

GeneDx
Classification: Likely benign. Last evaluated: 2019-04-25. Review status: criteria provided, single submitter. Criteria: GeneDx Variant Classification Process June 2021. Collection method: clinical testing. Allele origin: germline. Affected: yes.

Ambry Genetics
Classification: Likely benign for Familial thoracic aortic aneurysm and aortic dissection. Last evaluated: 2016-10-26. Review status: criteria provided, single submitter. Criteria: Ambry Variant Classification Scheme 2023. Collection method: clinical testing. Allele origin: germline.

NM_017617.5(NOTCH1):c.743-4G>T

Genes: MIR4673 (microRNA 4673; minus strand), NOTCH1 (notch receptor 1; minus strand). Cytogenetic location: 9q34.3.
Variant type: single nucleotide variant.
Coding change: c.743-4G>T on transcript NM_017617.5 (MANE Select); 4 bases into the intron before coding-DNA position 743, G replaced by T.
Molecular consequence: intron variant. On other transcripts: non-coding transcript variant (1).
Genome position (GRCh38, 1-based): chr9:136,519,569, C>A on the plus strand (G>T on the coding strand, the complement: NOTCH1 is on the minus strand). VCF-style: chr9-136519569-C-A. GRCh37 (hg19) VCF-style: chr9-139414021-C-A.
Other names: c.743-4G>T (NM_017617.4, LRG_1122t1).
Identifiers: ClinVar variation 241170 (VCV000241170.22), dbSNP rs748001079, ClinGen allele CA5342053.